The following is an entry in ClinVar:

ClinVar aggregate classification (germline): Pathogenic/Likely pathogenic. Review status: criteria provided, multiple submitters, no conflicts (2 of 4 stars). 8 submissions from 8 submitters: Pathogenic (5); Likely pathogenic (2). 1 of the submissions does not count toward it. Last evaluated 2026-01-11.

Conditions:
Early-infantile DEE. Also called: Ohtahara syndrome; Early infantile epileptic encephalopathy; Early infantile epileptic encephalopathy with suppression bursts. Identifiers: Orphanet 1934, MedGen C0393706, MONDO:0800491.
Inborn genetic diseases. Identifiers: MedGen C0950123, MeSH D030342.
KCNQ2-Related Disorders. Also called: KCNQ2-related condition; KCNQ2-related disorder. Identifiers: MedGen CN169299.
Seizures, benign familial neonatal, 1. Also called: Seizures, benign neonatal, 1; KCNQ2-Related Self-Limited Familial Neonatal Epilepsy (SLFNE); KCNQ2-Related Benign Familial Neonatal Epilepsy; Benign Neonatal Epilepsy 1. Identifiers: Orphanet 1949, MedGen C3149074, MONDO:0007365, OMIM 121200.
Epileptic encephalopathy. Identifiers: MedGen C0543888, HP:0200134.

Submissions (14):

GeneDx
Classification: Pathogenic. Last evaluated: 2026-01-11. Review status: criteria provided, single submitter. Criteria: GeneDx Variant Classification Process June 2021. Collection method: clinical testing. Allele origin: germline. Affected: yes.
Comment: Not observed at significant frequency in large population cohorts (gnomAD); In silico analysis supports that this missense variant has a deleterious effect on protein structure/function; This substitution is predicted to be within the C-terminal cytoplasmic domain; This variant is associated with the following publications: (PMID: 20437616, 25262651, 33057194, 33726816, 33528536, Amadori2020[CaseReport], 31440721, 35982159, 29141310, 36403551, 28133863, 28973083, 27864847, Dirkx2025[preprint], 40766585, 35104249)

Mayo Clinic Laboratories, Mayo Clinic
Classification: Pathogenic. Last evaluated: 2024-10-29. Review status: criteria provided, single submitter. Criteria: ACMG Guidelines, 2015. Collection method: clinical testing. Allele origin: germline. Observed: 1 variant allele.
Comment: PP2, PP3, PM2_supporting, PM5, PS2, PS3, PS4_moderate

Blueprint Genetics
Classification: Pathogenic for KCNQ2-related disorders. Last evaluated: 2023-09-08. Review status: criteria provided, single submitter. Criteria: ACMG Guidelines, 2015. Collection method: clinical testing. Allele origin: germline. Affected: yes. Observed: 2 variant alleles.

Labcorp Genetics (formerly Invitae), Labcorp
Classification: Pathogenic for Early-infantile DEE. Last evaluated: 2022-10-18. Review status: criteria provided, single submitter. Criteria: Invitae Variant Classification Sherloc (09022015). Collection method: clinical testing. Allele origin: germline.
Comment: For these reasons, this variant has been classified as Pathogenic. This variant disrupts the p.Arg581 amino acid residue in KCNQ2. Other variant(s) that disrupt this residue have been determined to be pathogenic (PMID: 25262651, 29186148). This suggests that this residue is clinically significant, and that variants that disrupt this residue are likely to be disease-causing. Algorithms developed to predict the effect of missense changes on protein structure and function are either unavailable or do not agree on the potential impact of this missense change (SIFT: "Deleterious"; PolyPhen-2: "Probably Damaging"; Align-GVGD: "Class C0"). ClinVar contains an entry for this variant (Variation ID: 21769). This missense change has been observed in individual(s) with early onset epileptic encephalopathy (PMID: 27864847, 28133863, 28973083; Invitae). In at least one individual the variant was observed to be de novo. This variant is not present in population databases (gnomAD no frequency). This sequence change replaces arginine, which is basic and polar, with glutamine, which is neutral and polar, at codon 581 of the KCNQ2 protein (p.Arg581Gln).

Baylor Genetics
Classification: Pathogenic for Seizures, benign familial neonatal, 1. Last evaluated: 2018-04-04. Review status: criteria provided, single submitter. Criteria: ACMG Guidelines, 2015. Collection method: clinical testing. Allele origin: de novo. Affected: yes.
Comment: This variant was determined to be pathogenic according to ACMG Guidelines, 2015 [PMID:25741868].

Ambry Genetics
Classification: Likely pathogenic for Inborn genetic diseases. Last evaluated: 2018-03-06. Review status: criteria provided, single submitter. Criteria: Ambry Variant Classification Scheme 2023. Collection method: clinical testing. Allele origin: germline.
Comment: The p.R581Q variant (also known as c.1742G>A), located in coding exon 15 of the KCNQ2 gene, results from a G to A substitution at nucleotide position 1742. The arginine at codon 581 is replaced by glutamine, an amino acid with highly similar properties. This alteration has been detected as de novo in several individuals with early onset encephalopathy and/or clonic spasms and focal seizures (Olson HE et al. Ann. Neurol., 2017 Mar;81:419-429; Meng L et al. JAMA Pediatr, 2017 Dec;171:e173438; Parrini E et al. Hum. Mutat., 2017 Feb;38:216-225). This amino acid position is highly conserved in available vertebrate species. In addition, this alteration is predicted to be deleterious by in silico analysis. Based on the majority of available evidence to date, this variant is likely to be pathogenic.

Neurogenetics Laboratory - MEYER, AOU Meyer
Classification: Likely pathogenic for Epileptic encephalopathy. Last evaluated: 2016-11-16. Review status: criteria provided, single submitter. Criteria: ACMG Guidelines, 2015. Collection method: clinical testing. Allele origin: de novo. Affected: yes. Observed: 1 heterozygote.

Channelopathy-Associated Epilepsy Research Center
No classification provided (evidence only). Condition: Complex neurodevelopmental disorder. Review status: no classification provided. Collection method: literature only. Allele origin: not applicable. Functional consequence: Severe decrease in peak current, Moderate slowing of activation, Normal voltage dependence of activation. Not counted in ClinVar's aggregate classification.
ClinVar note: "not provided" was previously submitted as the classification for the variant. However, the classification appeared to be based only on an observation of functional data so it was converted to no classification on 2025-07-30.

Channelopathy-Associated Epilepsy Research Center
No classification provided (evidence only). Review status: no classification provided. Collection method: in vitro. Allele origin: not applicable. Functional consequence: Decrease in peak current. Not counted in ClinVar's aggregate classification.

Channelopathy-Associated Epilepsy Research Center
No classification provided (evidence only). Review status: no classification provided. Collection method: in vitro. Allele origin: not applicable. Functional consequence: Decrease in peak current. Not counted in ClinVar's aggregate classification.

Channelopathy-Associated Epilepsy Research Center
No classification provided (evidence only). Review status: no classification provided. Collection method: in vitro. Allele origin: not applicable. Functional consequence: Normal voltage dependence of activation. Not counted in ClinVar's aggregate classification.

Channelopathy-Associated Epilepsy Research Center
No classification provided (evidence only). Review status: no classification provided. Collection method: in vitro. Allele origin: not applicable. Functional consequence: Increase in slope of activation. Not counted in ClinVar's aggregate classification.

Channelopathy-Associated Epilepsy Research Center
No classification provided (evidence only). Review status: no classification provided. Collection method: in vitro. Allele origin: not applicable. Functional consequence: Normal rate of activation. Not counted in ClinVar's aggregate classification.

GeneReviews
No classification provided. Condition: Seizures, benign familial neonatal, 1. Review status: no classification provided. Collection method: literature only. Allele origin: unknown. Not counted in ClinVar's aggregate classification.

Literature cited by the submitters: PubMed 27864847 (cited by 3 submitters); PubMed 28133863 (cited by 3 submitters); PubMed 28973083 (cited by 3 submitters); PubMed 31440721 (cited by Mayo Clinic Laboratories, Mayo Clinic); PubMed 33057194 (cited by Mayo Clinic Laboratories, Mayo Clinic); PubMed 33528536 (cited by Mayo Clinic Laboratories, Mayo Clinic); PubMed 33726816 (cited by Mayo Clinic Laboratories, Mayo Clinic); PubMed 35104249 (cited by Mayo Clinic Laboratories, Mayo Clinic and Channelopathy-Associated Epilepsy Research Center); PubMed 35982159 (cited by Mayo Clinic Laboratories, Mayo Clinic); PubMed 36403551 (cited by Mayo Clinic Laboratories, Mayo Clinic); PubMed 25262651 (cited by Labcorp Genetics (formerly Invitae), Labcorp); PubMed 29186148 (cited by Labcorp Genetics (formerly Invitae), Labcorp); PubMed 20437616 (cited by GeneReviews); NCBI Bookshelf NBK32534 (cited by GeneReviews).

NM_172107.4(KCNQ2):c.1742G>A (p.Arg581Gln)

Gene: KCNQ2 (potassium voltage-gated channel subfamily Q member 2; minus strand). Cytogenetic location: 20q13.33.
Variant type: single nucleotide variant.
Coding change: c.1742G>A on transcript NM_172107.4 (MANE Select); coding-DNA position 1742, G replaced by A.
Protein change: p.Arg581Gln; replaces arginine 581 with glutamine.
Molecular consequence: missense variant.
Genome position (GRCh38, 1-based): chr20:63,413,471, C>T on the plus strand (G>A on the coding strand, the complement: KCNQ2 is on the minus strand). VCF-style: chr20-63413471-C-T. GRCh37 (hg19) VCF-style: chr20-62044824-C-T.
Other names: p.R581Q:CGA>CAA; p.Arg581Gln; c.1688G>A, p.Arg563Gln (NM_001382235.1, NM_172106.3); c.1685G>A, p.Arg562Gln (NM_001439003.1); c.1655G>A, p.Arg552Gln (NM_001439004.1); c.1658G>A, p.Arg553Gln (NM_004518.6); c.1649G>A, p.Arg550Gln (NM_172108.5); short protein forms R581Q, R550Q, R553Q, R563Q, R552Q, R562Q.
Identifiers: ClinVar variation 21769 (VCV000021769.22), dbSNP rs118192235, ClinGen allele CA315489.